The following is an entry in ClinVar:

ClinVar aggregate classification (germline): Uncertain significance. Review status: criteria provided, multiple submitters, no conflicts (2 of 4 stars). 2 submissions from 2 submitters: Uncertain significance (2). Last evaluated 2022-08-07.

Submissions (2):

Labcorp Genetics (formerly Invitae), Labcorp
Classification: Uncertain significance. Last evaluated: 2022-08-07. Review status: criteria provided, single submitter. Criteria: Invitae Variant Classification Sherloc (09022015). Collection method: clinical testing. Allele origin: germline.
Comment: This sequence change replaces cysteine, which is neutral and slightly polar, with arginine, which is basic and polar, at codon 2040 of the USH2A protein (p.Cys2040Arg). This variant is not present in population databases (gnomAD no frequency). This missense change has been observed in individual(s) with retinitis pigmentosa (Invitae). Algorithms developed to predict the effect of missense changes on protein structure and function (SIFT, PolyPhen-2, Align-GVGD) all suggest that this variant is likely to be disruptive. This variant disrupts the p.Cys2040 amino acid residue in USH2A. Other variant(s) that disrupt this residue have been observed in individuals with USH2A-related conditions (PMID: 27208204; Invitae), which suggests that this may be a clinically significant amino acid residue. In summary, the available evidence is currently insufficient to determine the role of this variant in disease. Therefore, it has been classified as a Variant of Uncertain Significance.

Blueprint Genetics
Classification: Uncertain significance. Last evaluated: 2019-10-01. Review status: criteria provided, single submitter. Criteria: ACMG Guidelines, 2015. Collection method: clinical testing. Allele origin: germline.

Literature cited by the submitters: PubMed 27208204 (cited by Labcorp Genetics (formerly Invitae), Labcorp).

NM_206933.4(USH2A):c.6118T>C (p.Cys2040Arg)

Gene: USH2A (usherin; minus strand). Cytogenetic location: 1q41.
Variant type: single nucleotide variant.
Coding change: c.6118T>C on transcript NM_206933.4 (MANE Select); coding-DNA position 6118, T replaced by C.
Protein change: p.Cys2040Arg; replaces cysteine 2040 with arginine.
Molecular consequence: missense variant.
Genome position (GRCh38, 1-based): chr1:216,048,579, A>G on the plus strand (T>C on the coding strand, the complement: USH2A is on the minus strand). VCF-style: chr1-216048579-A-G. GRCh37 (hg19) VCF-style: chr1-216221921-A-G.
Other names: short protein forms C2040R.
Identifiers: ClinVar variation 2022634 (VCV002022634.5), dbSNP rs878853412, ClinGen allele CA344859479.